The following is an entry in ClinVar:

ClinVar aggregate classification (germline): Uncertain significance. Review status: criteria provided, multiple submitters, no conflicts (2 of 4 stars). 3 submissions from 3 submitters: Uncertain significance (3). Last evaluated 2022-10-04.

Conditions:
Senior-Loken syndrome 8 (SLSN8). Identifiers: Orphanet 3156, MedGen C4225376, MONDO:0014579, OMIM 616307.
Asphyxiating thoracic dystrophy 5 (SRTD5). Also called: SHORT-RIB THORACIC DYSPLASIA 5 WITH OR WITHOUT POLYDACTYLY; SHORT-RIB THORACIC DYSPLASIA 5 WITHOUT POLYDACTYLY. Identifiers: Orphanet 474, MedGen C3280598, MONDO:0013717, OMIM 614376.
Nephronophthisis 13 (NPHP13). Identifiers: Orphanet 655, MedGen C3280612, MONDO:0013718, OMIM 614377.
Cranioectodermal dysplasia 4 (CED4). Identifiers: Orphanet 1515, MedGen C3280616, MONDO:0013719, OMIM 614378.
Spermatogenic failure 72 (SPGF72). Identifiers: MedGen C5676980, MONDO:0030809, OMIM 619867.

Allele frequency attached by ClinVar (database versions not stated): gnomAD 0.00001; TOPMed 0.00001; ESP Exome Variant Server 0.00008; gnomAD exomes below 0.00001; ExAC 0.00001.
gnomAD v4.1: 2 of 1,613,670 alleles (0.00012%); highest among the groups gnomAD compares: African/African-American, 0.0027%; no homozygotes.

Submissions (3):

Labcorp Genetics (formerly Invitae), Labcorp
Classification: Uncertain significance for Senior-Loken syndrome 8; Asphyxiating thoracic dystrophy 5. Last evaluated: 2022-10-04. Review status: criteria provided, single submitter. Criteria: Invitae Variant Classification Sherloc (09022015). Collection method: clinical testing. Allele origin: germline.
Comment: In summary, the available evidence is currently insufficient to determine the role of this variant in disease. Therefore, it has been classified as a Variant of Uncertain Significance. This variant is present in population databases (rs370948119, gnomAD 0.007%). Algorithms developed to predict the effect of missense changes on protein structure and function output the following: SIFT: "Tolerated"; PolyPhen-2: "Benign"; Align-GVGD: "Class C0". The serine amino acid residue is found in multiple mammalian species, which suggests that this missense change does not adversely affect protein function. ClinVar contains an entry for this variant (Variation ID: 994169). This variant has not been reported in the literature in individuals affected with WDR19-related conditions. This sequence change replaces tyrosine, which is neutral and polar, with serine, which is neutral and polar, at codon 698 of the WDR19 protein (p.Tyr698Ser).

Fulgent Genetics
Classification: Uncertain significance for Asphyxiating thoracic dystrophy 5; Nephronophthisis 13; Cranioectodermal dysplasia 4; Senior-Loken syndrome 8; Spermatogenic failure 72. Last evaluated: 2021-09-22. Review status: criteria provided, single submitter. Criteria: ACMG Guidelines, 2015. Collection method: clinical testing. Allele origin: unknown.

ARUP Laboratories, Molecular Genetics and Genomics, ARUP Laboratories
Classification: Uncertain significance. Last evaluated: 2019-11-08. Review status: criteria provided, single submitter. Criteria: ARUP Molecular Germline Variant Investigation Process. Collection method: clinical testing. Allele origin: germline.
Comment: The WDR19 c.2093A>C; p.Tyr698Ser variant rs370948119, to our knowledge, is not reported in the medical literature or gene specific databases. This variant is only observed on one allele in the Genome Aggregation Database, indicating it is not a common polymorphism. The tyrosine at codon 698 is moderately conserved, and computational analyses (SIFT: tolerated, PolyPhen-2: possibly damaging) predict conflicting effects of this variant on protein structure/function. Due to limited information, the clinical significance of this variant is uncertain at this time.

NM_025132.4(WDR19):c.2093A>C (p.Tyr698Ser)

Gene: WDR19 (WD repeat domain 19; plus strand). Cytogenetic location: 4p14.
Variant type: single nucleotide variant.
Coding change: c.2093A>C on transcript NM_025132.4 (MANE Select); coding-DNA position 2093, A replaced by C.
Protein change: p.Tyr698Ser; replaces tyrosine 698 with serine.
Molecular consequence: missense variant.
Genome position (GRCh38, 1-based): chr4:39,231,907, A>C. VCF-style: chr4-39231907-A-C. GRCh37 (hg19) VCF-style: chr4-39233527-A-C.
Other names: c.1613A>C, p.Tyr538Ser (NM_001317924.2); short protein forms Y538S, Y698S.
Identifiers: ClinVar variation 994169 (VCV000994169.18), dbSNP rs370948119, ClinGen allele CA2892005.
Genomic context (GRCh38, chr4:39,231,907, plus strand): 5'-GGAATGAGTTGGCCAGAGCTTGTCTACATCACATGGAAGTGGAGTTTGCAATCCGTGTTT[A>C]TCGGAGAATTGGAAATGTTGGCATAGTGATGTCCTTGGAACAAATAAAGGTAAACAGCAT-3'
Protein context (NP_079408.3, residues 688-708): HMEVEFAIRV[Tyr698Ser]RRIGNVGIVM